The following is an entry in ClinVar:

NM_181861.2(APAF1):c.2463C>A (p.Ile821=)

Gene: APAF1 (apoptotic peptidase activating factor 1; plus strand). Cytogenetic location: 12q23.1.
Variant type: single nucleotide variant.
Coding change: c.2463C>A on transcript NM_181861.2 (MANE Select); coding-DNA position 2463, C replaced by A.
Protein change: p.Ile821=; no amino-acid change (isoleucine 821 retained).
Molecular consequence: synonymous variant. On other transcripts: intron variant (1).
Genome position (GRCh38, 1-based): chr12:98,699,566, C>A. VCF-style: chr12-98699566-C-A. GRCh37 (hg19) VCF-style: chr12-99093344-C-A.
Other names: c.2430C>A, p.Ile810= (NM_001160.3, NM_013229.3); c.2463C>A, p.Ile821= (NM_181868.2); c.956-32854C>A (NM_181869.2).
Identifiers: ClinVar variation 3039826 (VCV003039826.2), dbSNP rs144749677, ClinGen allele CA6734261.

ClinVar aggregate classification (germline): Likely benign (0 of 4 stars; one submission).

Conditions:
APAF1-related disorder. Also called: APAF1-related condition.

Allele frequency attached by ClinVar (database versions not stated): ESP Exome Variant Server 0.00015; ExAC 0.00036; gnomAD exomes 0.00059; gnomAD 0.00066; TOPMed 0.00074; 1000 Genomes Project 0.00100; 1000 Genomes Project 30x 0.00125.
gnomAD v4.1: 986 of 1,614,078 alleles (0.061%); highest among the groups gnomAD compares: Admixed American, 0.26%; 2 homozygotes.

Submission:

PreventionGenetics, part of Exact Sciences
Classification: Likely benign for APAF1-related condition. Last evaluated: 2019-10-28. Review status: no assertion criteria provided. Collection method: clinical testing. Allele origin: germline.
Comment: This variant is classified as likely benign based on ACMG/AMP sequence variant interpretation guidelines (Richards et al. 2015 PMID: 25741868, with internal and published modifications).